The following is an entry in ClinVar:

ClinVar aggregate classification (germline): Conflicting classifications of pathogenicity. Review status: criteria provided, conflicting classifications (1 of 4 stars). 7 submissions from 7 submitters: Uncertain significance (1); Likely benign (5). 1 of the submissions does not count toward it. Last evaluated 2026-01-14.

Conditions:
Autosomal dominant Alport syndrome (ATS3A). Also called: ALPORT SYNDROME 3A, AUTOSOMAL DOMINANT; Alport syndrome dominant type; Renal failure and sensorineural hearing loss. Identifiers: Orphanet 63, Orphanet 88918, MedGen C5882663, MONDO:0007086, OMIM 104200.
Autosomal recessive Alport syndrome (ATS2). Also called: Alport syndrome type 2; COL4A3-Related Nephropathy; COL4A4 Alport Syndrome and Thin Basement Membrane Nephropathy; ALPORT SYNDROME 2, AUTOSOMAL RECESSIVE. Identifiers: Orphanet 63, Orphanet 88919, MedGen C4746745, MONDO:0008762, OMIM 203780.
Benign familial hematuria. Also called: thin basement membrane disease. Identifiers: MedGen C0241908, MONDO:0957317.
COL4A3-related disorder. Also called: COL4A3-related condition; COL4A3-Related Disorders.

Submissions (7):

Labcorp Genetics (formerly Invitae), Labcorp
Classification: Likely benign. Last evaluated: 2026-01-14. Review status: criteria provided, single submitter. Criteria: Invitae Variant Classification Sherloc (09022015). Collection method: clinical testing. Allele origin: germline.

Mayo Clinic Laboratories, Mayo Clinic
Classification: Likely benign. Last evaluated: 2024-10-24. Review status: criteria provided, single submitter. Criteria: ACMG Guidelines, 2015. Collection method: clinical testing. Allele origin: germline. Observed: 1 variant allele.
Comment: BS1_supporting, BP4

Blueprint Genetics
Classification: Uncertain significance. Last evaluated: 2024-10-17. Review status: criteria provided, single submitter. Criteria: ACMG Guidelines, 2015. Collection method: clinical testing. Allele origin: germline.

Women's Health and Genetics/Laboratory Corporation of America, LabCorp
Classification: Likely benign. Last evaluated: 2023-03-16. Review status: criteria provided, single submitter. Criteria: LabCorp Variant Classification Summary - May 2015. Collection method: clinical testing. Allele origin: germline.
Comment: Variant summary: COL4A3 c.43_54del12 (p.Pro15_Leu18del) results in an in-frame deletion that is predicted to remove four amino acids from the encoded protein. The variant allele was found at a frequency of 0.0002 in 119138 control chromosomes, predominantly at a frequency of 0.0035 within the African or African-American subpopulation in the gnomAD database. The observed variant frequency within African or African-American control individuals in the gnomAD database is approximately 1.81 fold of the estimated maximal expected allele frequency for a pathogenic variant in COL4A3 causing Alport Syndrome, Autosomal Recessive phenotype (0.0019), strongly suggesting that the variant is a benign polymorphism found primarily in populations of African or African-American origin. To our knowledge, no occurrence of c.43_54del12 in individuals affected with Alport Syndrome, Autosomal Recessive and no experimental evidence demonstrating its impact on protein function have been reported. Three clinical diagnostic laboratories have submitted clinical-significance assessments for this variant to ClinVar after 2014 without evidence for independent evaluation. All laboratories classified the variant as likely benign. Based on the evidence outlined above, the variant was classified as likley benign.

Fulgent Genetics
Classification: Likely benign for Autosomal dominant Alport syndrome; Hematuria, benign familial, 1; Autosomal recessive Alport syndrome. Last evaluated: 2021-07-21. Review status: criteria provided, single submitter. Criteria: ACMG Guidelines, 2015. Collection method: clinical testing. Allele origin: unknown.

GeneDx
Classification: Likely benign. Last evaluated: 2020-12-10. Review status: criteria provided, single submitter. Criteria: GeneDx Variant Classification Process June 2021. Collection method: clinical testing. Allele origin: germline. Affected: yes.
Comment: In-frame deletion of 4 amino acids in a non-repeat region; In silico analysis, which includes protein predictors and evolutionary conservation, supports that this variant does not alter protein structure/function; Has not been previously published as pathogenic or benign to our knowledge; In-frame deletion of 4 amino acids in a non-repeat region

PreventionGenetics, part of Exact Sciences
Classification: Likely benign for COL4A3-related condition. Last evaluated: 2022-06-14. Review status: no assertion criteria provided. Collection method: clinical testing. Allele origin: germline. Not counted in ClinVar's aggregate classification.
Comment: This variant is classified as likely benign based on ACMG/AMP sequence variant interpretation guidelines (Richards et al. 2015 PMID: 25741868, with internal and published modifications).

NM_000091.5(COL4A3):c.43_54del (p.Pro15_Leu18del)

Genes: COL4A3 (collagen type IV alpha 3 chain; plus strand), LOC129935730 (ATAC-STARR-seq lymphoblastoid silent region 12397; plus strand). Cytogenetic location: 2q36.3.
Variant type: Deletion.
Coding change: c.43_54del on transcript NM_000091.5 (MANE Select); coding-DNA positions 43 to 54, 12 bases deleted (CCGCTCCTGCTG).
Protein change: p.Pro15_Leu18del.
Molecular consequence: inframe deletion. On other transcripts: inframe indel (2).
Genome position (GRCh38, 1-based): chr2:227,164,769-227,164,780, CCGCTCCTGCTG deleted; deleting any 12 consecutive bases within chr2:227,164,759-227,164,780 gives the same sequence; the c. name uses the placement nearest the transcript's 3' end. VCF-style (leftmost placement, unchanged base first): chr2-227164758-TGCTCCTGCTGCC-T. GRCh37 (hg19) VCF-style: chr2-228029474-TGCTCCTGCTGCC-T.
Other names: p.Pro15_Leu18del; c.43_54del12 (NM_000091.4); c.-865_-854del12 (NM_000092.4); c.43_54delCCGCTCCTGCTG, p.Pro15_Leu18del (NM_000091.4).
Identifiers: ClinVar variation 719406 (VCV000719406.16), dbSNP rs570469692, ClinGen allele CA2145890.